The following is an entry in ClinVar:

ClinVar aggregate classification (germline): Uncertain significance (1 of 4 stars; one submission).

Conditions:
Charcot-Marie-Tooth disease type 4. Also called: Charcot-Marie-Tooth disease, type IV; Charcot-Marie-Tooth, Type 4. Identifiers: Orphanet 64749, MedGen C4082197, MONDO:0018995.

Allele frequency attached by ClinVar (database versions not stated): gnomAD exomes below 0.00001.
gnomAD v4.1: 4 of 1,611,354 alleles (0.00025%); highest among the groups gnomAD compares: Non-Finnish European, 0.00034%; no homozygotes.

Submission:

Labcorp Genetics (formerly Invitae), Labcorp
Classification: Uncertain significance for Charcot-Marie-Tooth disease type 4. Last evaluated: 2023-11-27. Review status: criteria provided, single submitter. Criteria: Invitae Variant Classification Sherloc (09022015). Collection method: clinical testing. Allele origin: germline.
Comment: This sequence change replaces proline, which is neutral and non-polar, with leucine, which is neutral and non-polar, at codon 145 of the FIG4 protein (p.Pro145Leu). This variant is not present in population databases (gnomAD no frequency). This missense change has been observed in individual(s) with sporadic amyotrophic lateral sclerosis (PMID: 33770234). ClinVar contains an entry for this variant (Variation ID: 850597). An algorithm developed to predict the effect of missense changes on protein structure and function (PolyPhen-2) suggests that this variant is likely to be disruptive. In summary, the available evidence is currently insufficient to determine the role of this variant in disease. Therefore, it has been classified as a Variant of Uncertain Significance.

Literature cited by the submitters: PubMed 33770234.

NM_014845.6(FIG4):c.434C>T (p.Pro145Leu)

Gene: FIG4 (FIG4 phosphoinositide 5-phosphatase; plus strand). Cytogenetic location: 6q21.
Variant type: single nucleotide variant.
Coding change: c.434C>T on transcript NM_014845.6 (MANE Select); coding-DNA position 434, C replaced by T.
Protein change: p.Pro145Leu; replaces proline 145 with leucine.
Molecular consequence: missense variant.
Genome position (GRCh38, 1-based): chr6:109,727,253, C>T. VCF-style: chr6-109727253-C-T. GRCh37 (hg19) VCF-style: chr6-110048456-C-T.
Other names: short protein forms P145L.
Identifiers: ClinVar variation 850597 (VCV000850597.8), dbSNP rs1775849908, ClinGen allele CA365217335.